The following is an entry in ClinVar:

ClinVar aggregate classification (germline): Benign. Review status: criteria provided, multiple submitters, no conflicts (2 of 4 stars). 2 submissions from 2 submitters: Benign (2). Last evaluated 2018-01-12.

Conditions:
Progressive myoclonic epilepsy. Also called: Progressive myoclonus epilepsy; Familial progressive myoclonic epilepsy; Myoclonus epilepsy; Myoclonic Epilepsies, Progressive. Identifiers: Orphanet 308, Orphanet 98261, MedGen C0751778, MONDO:0020074.

Allele frequency attached by ClinVar (database versions not stated): 1000 Genomes Project 0.02037; 1000 Genomes Project 30x 0.02155; gnomAD exomes 0.02451; TOPMed 0.04040; gnomAD 0.04077 and 0.04161.
gnomAD v4.1: 6,175 of 152,670 alleles (4%); highest among the groups gnomAD compares: Non-Finnish European, 6.6%; 162 homozygotes.

Submissions (2):

Illumina Laboratory Services, Illumina
Classification: Benign for Progressive myoclonic epilepsy. Last evaluated: 2018-01-12. Review status: criteria provided, single submitter. Criteria: ICSL Variant Classification Criteria 13 December 2019. Collection method: clinical testing. Allele origin: germline.
Comment: This variant was observed in the ICSL laboratory as part of a predisposition screen in an ostensibly healthy population. It had not been previously curated by ICSL or reported in the Human Gene Mutation Database (HGMD: prior to June 1st, 2018), and was therefore a candidate for classification through an automated scoring system. Utilizing variant allele frequency, disease prevalence and penetrance estimates, and inheritance mode, an automated score was calculated to assess if this variant is too frequent to cause the disease. Based on the score and internal cut-off values, a variant classified as benign is not then subjected to further curation. The score for this variant resulted in a classification of benign for this disease.

Breakthrough Genomics
Classification: Benign. Review status: criteria provided, single submitter. Criteria: ACMG Guidelines, 2015. Collection method: not provided. Allele origin: germline. Inheritance: Unknown mechanism. Affected: yes.

NM_198859.4(PRICKLE2):c.*1589G>A

Genes: PRICKLE2 (prickle planar cell polarity protein 2; minus strand), PRICKLE2-AS1 (PRICKLE2 antisense RNA 1; plus strand). Cytogenetic location: 3p14.1.
Variant type: single nucleotide variant.
Coding change: c.*1589G>A on transcript NM_198859.4 (MANE Select); 1589 bases downstream of the stop codon, G replaced by A.
Molecular consequence: 3 prime UTR variant. On other transcripts: non-coding transcript variant (1).
Genome position (GRCh38, 1-based): chr3:64,097,462, C>T on the plus strand (G>A on the coding strand, the complement: PRICKLE2 is on the minus strand). VCF-style: chr3-64097462-C-T. GRCh37 (hg19) VCF-style: chr3-64083138-C-T.
Other names: c.*1589G>A (NM_001370528.1).
Identifiers: ClinVar variation 346452 (VCV000346452.6), dbSNP rs62249882, ClinGen allele CA10617287.